The following is an entry in ClinVar:

ClinVar aggregate classification (germline): Uncertain significance (1 of 4 stars; one submission).

Submission:

Women's Health and Genetics/Laboratory Corporation of America, LabCorp
Classification: Uncertain significance. Last evaluated: 2026-03-02. Review status: criteria provided, single submitter. Criteria: LabCorp Variant Classification Summary - May 2015. Collection method: clinical testing. Allele origin: germline.
Comment: Variant summary: FLNC c.7775T>C (p.Val2592Ala) results in a non-conservative amino acid change in the encoded protein sequence. Algorithms developed to predict the effect of missense changes on protein structure and function all suggest that this variant is likely to be disruptive. The variant was absent in 247056 control chromosomes. The available data on variant occurrences in the general population are insufficient to allow any conclusion about variant significance. To our knowledge, no occurrence of c.7775T>C in individuals affected with FLNC-related conditions and no experimental evidence demonstrating its impact on protein function have been reported. No submitters have cited clinical-significance assessments for this variant to ClinVar. Based on the evidence outlined above, the variant was classified as uncertain significance.

NM_001458.5(FLNC):c.7775T>C (p.Val2592Ala)

Genes: FLNC (filamin C; plus strand), FLNC-AS1 (FLNC antisense RNA 1; minus strand). Cytogenetic location: 7q32.1.
Variant type: single nucleotide variant.
Coding change: c.7775T>C on transcript NM_001458.5 (MANE Select); coding-DNA position 7775, T replaced by C.
Protein change: p.Val2592Ala; replaces valine 2592 with alanine.
Molecular consequence: missense variant.
Genome position (GRCh38, 1-based): chr7:128,857,331, T>C. VCF-style: chr7-128857331-T-C. GRCh37 (hg19) VCF-style: chr7-128497385-T-C.
Other names: c.7676T>C, p.Val2559Ala (NM_001127487.2); short protein forms V2559A, V2592A.
Identifiers: ClinVar variation 4847581 (VCV004847581.1).